The following is an entry in ClinVar:

NM_014915.3(ANKRD26):c.2447T>C (p.Leu816Ser)

Gene: ANKRD26 (ankyrin repeat domain 26; minus strand). Cytogenetic location: 10p12.1.
Variant type: single nucleotide variant.
Coding change: c.2447T>C on transcript NM_014915.3 (MANE Select); coding-DNA position 2447, T replaced by C.
Protein change: p.Leu816Ser; replaces leucine 816 with serine.
Molecular consequence: missense variant.
Genome position (GRCh38, 1-based): chr10:27,037,983, A>G on the plus strand (T>C on the coding strand, the complement: ANKRD26 is on the minus strand). VCF-style: chr10-27037983-A-G. GRCh37 (hg19) VCF-style: chr10-27326912-A-G.
Other names: c.2444T>C, p.Leu815Ser (NM_001256053.2); short protein forms L816S, L815S.
Identifiers: ClinVar variation 4580260 (VCV004580260.1).
Genomic context (GRCh38, chr10:27,037,983, plus strand): 5'-CTCAGTTCAAGCTGTTGTTTCACTTCAACTTCTTTCCTATATTGCTCTTCTTTTCTTCTT[A>G]ACTGTTCCCTAATTTTTTCATACAACGTATCAGCATTTCTTCTCTTCTCTTCTTCTTGGT-3'
Protein context (NP_055730.2, residues 806-826): DTLYEKIREQ[Leu816Ser]RRKEEQYRKE

ClinVar aggregate classification (germline): Uncertain significance (1 of 4 stars; one submission).

Conditions:
Inborn genetic diseases. Identifiers: MedGen C0950123, MeSH D030342.

gnomAD v4.1: 2 of 1,612,902 alleles (0.00012%); highest among the groups gnomAD compares: Non-Finnish European, 0.00017%; no homozygotes.

Submission:

Ambry Genetics
Classification: Uncertain significance for Inborn genetic diseases. Last evaluated: 2025-12-02. Review status: criteria provided, single submitter. Criteria: Ambry Variant Classification Scheme 2023. Collection method: clinical testing. Allele origin: germline.
Comment: The p.L816S variant (also known as c.2447T>C), located in coding exon 22 of the ANKRD26 gene, results from a T to C substitution at nucleotide position 2447. The leucine at codon 816 is replaced by serine, an amino acid with dissimilar properties. This amino acid position is conserved. In addition, this alteration is predicted to be tolerated by in silico analysis. Based on the available evidence, the clinical significance of this variant remains unclear.